The following is an entry in ClinVar:

ClinVar aggregate classification (germline): Likely benign. Review status: criteria provided, multiple submitters, no conflicts (2 of 4 stars). 2 submissions from 2 submitters: Likely benign (2). Last evaluated 2018-08-17.

Conditions:
Neuronal ceroid lipofuscinosis 1 (CLN1). Also called: PPT1-Related Neuronal Ceroid-Lipofuscinosis; CEROID LIPOFUSCINOSIS, NEURONAL, 1, VARIABLE AGE AT ONSET. Identifiers: Orphanet 228329, MedGen C1850451, MONDO:0009744, OMIM 256730.

Allele frequency attached by ClinVar (database versions not stated): TOPMed 0.00448; gnomAD 0.00394 and 0.00428; 1000 Genomes Project 0.00280; gnomAD exomes 0.00043; 1000 Genomes Project 30x 0.00281.

Submissions (2):

GeneDx
Classification: Likely benign. Last evaluated: 2018-08-17. Review status: criteria provided, single submitter. Criteria: GeneDx Variant Classification Process June 2021. Collection method: clinical testing. Allele origin: germline. Affected: yes.

Illumina Laboratory Services, Illumina
Classification: Likely benign for Neuronal ceroid lipofuscinosis 1. Last evaluated: 2018-01-12. Review status: criteria provided, single submitter. Criteria: ICSL Variant Classification Criteria 13 December 2019. Collection method: clinical testing. Allele origin: germline.
Comment: This variant was observed in the ICSL laboratory as part of a predisposition screen in an ostensibly healthy population. It had not been previously curated by ICSL or reported in the Human Gene Mutation Database (HGMD: prior to June 1st, 2018), and was therefore a candidate for classification through an automated scoring system. Utilizing variant allele frequency, disease prevalence and penetrance estimates, and inheritance mode, an automated score was calculated to assess if this variant is too frequent to cause the disease. Based on the score and internal cut-off values, a variant classified as likely benign is not then subjected to further curation. The score for this variant resulted in a classification of likely benign for this disease.

NM_000310.3(PPT1):c.-201G>A

Gene: PPT1 (palmitoyl-protein thioesterase 1; minus strand). Cytogenetic location: 1p34.2.
Variant type: single nucleotide variant.
Coding change: c.-201G>A on transcript NM_000310.3; 201 bases upstream of the start codon, G replaced by A.
Genome position (GRCh38, 1-based): chr1:40,097,439, C>T on the plus strand (G>A on the coding strand, the complement: PPT1 is on the minus strand). VCF-style: chr1-40097439-C-T. GRCh37 (hg19) VCF-style: chr1-40563111-C-T.
Identifiers: ClinVar variation 874124 (VCV000874124.9), dbSNP rs116091180, ClinGen allele CA21021633.